The following is an entry in ClinVar:

NM_000183.3(HADHB):c.1306A>G (p.Arg436Gly)

Gene: HADHB (hydroxyacyl-CoA dehydrogenase trifunctional multienzyme complex subunit beta; plus strand). Cytogenetic location: 2p23.3.
Variant type: single nucleotide variant.
Coding change: c.1306A>G on transcript NM_000183.3 (MANE Select); coding-DNA position 1306, A replaced by G.
Protein change: p.Arg436Gly; replaces arginine 436 with glycine.
Molecular consequence: missense variant.
Genome position (GRCh38, 1-based): chr2:26,285,488, A>G. VCF-style: chr2-26285488-A-G. GRCh37 (hg19) VCF-style: chr2-26508356-A-G.
Other names: c.1261A>G, p.Arg421Gly (NM_001281512.2); c.1240A>G, p.Arg414Gly (NM_001281513.2); short protein forms R414G, R421G, R436G.
Identifiers: ClinVar variation 4293165 (VCV004293165.1).
Genomic context (GRCh38, chr2:26,285,488, plus strand): 5'-AAGTTTAATAACTGGGGTGGATCTCTGTCCCTGGGACACCCATTTGGAGCCACTGGCTGC[A>G]GGTTGGTCATGGCTGCTGCCAACAGATTACGGAAAGAAGGAGGCCAGTATGGCTTAGTGG-3'
Protein context (NP_000174.1, residues 426-446): LGHPFGATGC[Arg436Gly]LVMAAANRLR

ClinVar aggregate classification (germline): Uncertain significance (1 of 4 stars; one submission).

Conditions:
Mitochondrial trifunctional protein deficiency 2 (MTPD2). Identifiers: MedGen C5830374, MONDO:0958185, OMIM 620300.

gnomAD v4.1: 4 of 1,613,828 alleles (0.00025%); highest among the groups gnomAD compares: Non-Finnish European, 0.00034%; no homozygotes.

Submission:

3billion
Classification: Uncertain significance for Mitochondrial trifunctional protein deficiency 2. Last evaluated: 2024-07-26. Review status: criteria provided, single submitter. Criteria: ACMG Guidelines, 2015. Collection method: clinical testing. Allele origin: germline. Affected: yes.
Comment: The variant is observed at an extremely low frequency in the gnomAD v4.0.0 dataset (total allele frequency: <0.001%). Predicted Consequence/Location: Missense variant In silico tool predictions suggest damaging effect of the variant on gene or gene product [REVEL: 0.94 (>=0.6, sensitivity 0.68 and specificity 0.92); 3Cnet: 0.97 (>=0.6, sensitivity 0.72 and precision 0.9)]. Therefore, this variant is classified as VUS according to the recommendation of ACMG/AMP guideline.